The following is an entry in ClinVar:

NM_001972.4(ELANE):c.336_359del (p.Asn113_Ile120del)

Gene: ELANE (elastase, neutrophil expressed; plus strand). Cytogenetic location: 19p13.3.
Variant type: Deletion.
Coding change: c.336_359del on transcript NM_001972.4 (MANE Select); coding-DNA positions 336 to 359, 24 bases deleted (AAACTTGCTCAACGACATCGTGAT).
Protein change: p.Asn113_Ile120del.
Molecular consequence: inframe deletion.
Genome position (GRCh38, 1-based): chr19:853,373-853,396, AAACTTGCTCAACGACATCGTGAT deleted; deleting any 24 consecutive bases within chr19:853,372-853,396 gives the same sequence; the c. name uses the placement nearest the transcript's 3' end. VCF-style (leftmost placement, unchanged base first): chr19-853371-GTAAACTTGCTCAACGACATCGTGA-G. GRCh37 (hg19) VCF-style: chr19-853371-GTAAACTTGCTCAACGACATCGTGA-G.
Other names: c.336_359del (LRG_57t1).
Identifiers: ClinVar variation 242297 (VCV000242297.2), dbSNP rs879255272, ClinGen allele CA10583967.
Genomic context (GRCh38, chr19:853,371, plus strand): 5'-CGGGAGCCCACCCGGCAGGTGTTCGCCGTGCAGCGCATCTTCGAAAACGGCTACGACCCC[GTAAACTTGCTCAACGACATCGTGA>G]TTCTCCAGGTGCCGCCGGGCGGGGCGGGGGGCGCAGGGGCGGAGGCCAGAGGCCTGGGGA-3'

ClinVar aggregate classification (germline): Pathogenic (1 of 4 stars; one submission).

Submission:

GeneDx
Classification: Pathogenic. Last evaluated: 2015-06-03. Review status: criteria provided, single submitter. Criteria: GeneDx Variant Classification (06012015). Collection method: clinical testing. Allele origin: germline. Affected: yes.
Comment: This in-frame deletion has not been published as a mutation, nor has it been reported as a benign polymorphism to our knowledge. The c.336_359del24 mutation removes eight amnio acid residues from the peptidase S1 domain. This deletion is not predicted to cause loss of function through protein truncation. However, in the absence of RNA/functional studies, the actual effect of this deletion in this individual is unknown. Other in-frame deletions (c.259_261del, 383_385del) have been reported in the Human Gene Mutation Database in association with congenital neutropenia (Stenson et al., 2014). The c.336_359del24 mutation was not observed in approximately 6,500 individuals of European and African American ancestry in the NHLBI Exome Sequencing Project, indicating it is not a common benign variant in these populations. Although this mutation has not been previously reported to our knowledge, its presence is consistent with a diagnosis of congenital neutropenia